The following is an entry in ClinVar:

NM_000337.6(SGCD):c.271G>A (p.Ala91Thr)

Gene: SGCD (sarcoglycan delta; plus strand). Cytogenetic location: 5q33.3.
Variant type: single nucleotide variant.
Coding change: c.271G>A on transcript NM_000337.6 (MANE Select); coding-DNA position 271, G replaced by A.
Protein change: p.Ala91Thr; replaces alanine 91 with threonine.
Molecular consequence: missense variant.
Genome position (GRCh38, 1-based): chr5:156,508,679, G>A. VCF-style: chr5-156508679-G-A. GRCh37 (hg19) VCF-style: chr5-155935689-G-A.
Other names: c.268G>A, p.Ala90Thr (NM_001128209.2); c.271G>A, p.Ala91Thr (NM_172244.3); short protein forms A91T, A90T.
Identifiers: ClinVar variation 2154170 (VCV002154170.3), dbSNP rs768114319, ClinGen allele CA130613351.

ClinVar aggregate classification (germline): Uncertain significance. Review status: criteria provided, multiple submitters, no conflicts (2 of 4 stars). 2 submissions from 2 submitters: Uncertain significance (2). Last evaluated 2022-07-20.

Conditions:
Dilated cardiomyopathy 1L (CMD1L). Identifiers: Orphanet 154, MedGen C1847667, MONDO:0011702, OMIM 606685.
Autosomal recessive limb-girdle muscular dystrophy type 2F (LGMDR6). Also called: MUSCULAR DYSTROPHY, LIMB-GIRDLE, AUTOSOMAL RECESSIVE 6; Muscular dystrophy limb-girdle with delta-sarcoglyan deficiency. Identifiers: Orphanet 219, MedGen C1832525, MONDO:0011028, OMIM 601287. Disease mechanism: Affects gamma-sarcoglycan and also disrupts the integrity of the entire sarcoglycan complex..

Allele frequency attached by ClinVar (database versions not stated): gnomAD 0.00001; TOPMed 0.00001.
gnomAD v4.1: 8 of 1,605,634 alleles (0.0005%); highest among the groups gnomAD compares: Middle Eastern, 0.017%; no homozygotes.

Submissions (2):

Labcorp Genetics (formerly Invitae), Labcorp
Classification: Uncertain significance for Autosomal recessive limb-girdle muscular dystrophy type 2F. Last evaluated: 2022-07-20. Review status: criteria provided, single submitter. Criteria: Invitae Variant Classification Sherloc (09022015). Collection method: clinical testing. Allele origin: germline.
Comment: This sequence change replaces alanine, which is neutral and non-polar, with threonine, which is neutral and polar, at codon 91 of the SGCD protein (p.Ala91Thr). This variant is not present in population databases (gnomAD no frequency). This variant has not been reported in the literature in individuals affected with SGCD-related conditions. Algorithms developed to predict the effect of missense changes on protein structure and function are either unavailable or do not agree on the potential impact of this missense change (SIFT: "Tolerated"; PolyPhen-2: "Possibly Damaging"; Align-GVGD: "Class C0"). In summary, the available evidence is currently insufficient to determine the role of this variant in disease. Therefore, it has been classified as a Variant of Uncertain Significance.

Juno Genomics, Hangzhou Juno Genomics, Inc
Classification: Uncertain significance for Dilated cardiomyopathy 1L; Autosomal recessive limb-girdle muscular dystrophy type 2F. Review status: criteria provided, single submitter. Criteria: ACMG Guidelines, 2015. Collection method: clinical testing. Allele origin: germline.
Comment: Absent from controls (or at extremely low frequency if recessive) in Genome Aggregation Database.;Multiple lines of computational evidence support a deleterious effect on the gene or gene product.